The following is an entry in ClinVar:

ClinVar aggregate classification (germline): Pathogenic (1 of 4 stars; one submission).

Conditions:
Autosomal recessive limb-girdle muscular dystrophy type 2A (LGMDR1). Also called: LEYDEN-MOEBIUS MUSCULAR DYSTROPHY; MUSCULAR DYSTROPHY, PELVOFEMORAL; Limb-girdle muscular dystrophy, type 2A; Calpainopathy; Muscular dystrophy, limb-girdle, type 2A, Amish. Identifiers: Orphanet 267, MedGen C1869123, MONDO:0009675, OMIM 253600. Disease mechanism: loss of function.

Submission:

Myriad Genetics, Inc.
Classification: Pathogenic for Autosomal recessive limb-girdle muscular dystrophy type 2A. Last evaluated: 2025-02-11. Review status: criteria provided, single submitter. Criteria: Myriad Autosomal Dominant, Autosomal Recessive and X-Linked Classification Criteria (2023). Collection method: clinical testing. Allele origin: unknown.
Comment: NM_000070.2(CAPN3):c.557_560delACAA(N186Ifs*33) is a frameshift variant classified as pathogenic in the context of calpainopathy. N186Ifs*33 has not been observed in cases with relevant disease. Relevant functional assessments of this variant are not available in the literature. N186Ifs*33 has not been observed in referenced population frequency databases. In summary, NM_000070.2(CAPN3):c.557_560delACAA(N186Ifs*33) is a frameshift variant in a gene where loss of function is a known mechanism of disease and is predicted to disrupt protein function. Please note: this variant was assessed in the context of healthy population screening.

NM_000070.3(CAPN3):c.557_560del (p.Asn186fs)

Gene: CAPN3 (calpain 3; plus strand). Cytogenetic location: 15q15.1.
Variant type: Deletion.
Coding change: c.557_560del on transcript NM_000070.3 (MANE Select); coding-DNA positions 557 to 560, 4 bases deleted (ACAA; older notation c.557_560delACAA).
Protein change: p.Asn186fs; shifts the reading frame from asparagine 186.
Molecular consequence: frameshift variant.
Genome position (GRCh38, 1-based): chr15:42,387,811-42,387,814, ACAA deleted; deleting any 4 consecutive bases within chr15:42,387,810-42,387,814 gives the same sequence; the c. name uses the placement nearest the transcript's 3' end. VCF-style (leftmost placement, unchanged base first): chr15-42387809-CAACA-C. GRCh37 (hg19) VCF-style: chr15-42680007-CAACA-C.
Other names: c.557_560del, p.Asn186fs (NM_024344.2, NM_173087.2); short protein forms N186fs.
Identifiers: ClinVar variation 4081602 (VCV004081602.1).